The following is an entry in ClinVar:

NM_000548.5(TSC2):c.4006-7T>C

Gene: TSC2 (TSC complex subunit 2; plus strand). Cytogenetic location: 16p13.3.
Variant type: single nucleotide variant.
Coding change: c.4006-7T>C on transcript NM_000548.5 (MANE Select); 7 bases into the intron before coding-DNA position 4006, T replaced by C.
Molecular consequence: intron variant.
Genome position (GRCh38, 1-based): chr16:2,084,221, T>C. VCF-style: chr16-2084221-T-C. GRCh37 (hg19) VCF-style: chr16-2134222-T-C.
Other names: c.3937-7T>C (NM_001114382.3); c.3877-7T>C (NM_021055.3, NM_001370405.1); c.3808-7T>C (NM_001363528.2); c.3874-7T>C (NM_001370404.1); c.3805-7T>C (NM_001077183.3); c.3697-7T>C (NM_001318827.2); c.3274-7T>C (NM_001318831.2); c.3661-7T>C (NM_001318829.2); and 1 more.
Identifiers: ClinVar variation 1087147 (VCV001087147.10), dbSNP rs2151520224, ClinGen allele CA2499223332.

ClinVar aggregate classification (germline): Likely benign. Review status: criteria provided, multiple submitters, no conflicts (2 of 4 stars). 2 submissions from 2 submitters: Likely benign (2). Last evaluated 2025-06-02.

Conditions:
Tuberous sclerosis 2 (TSC2). Identifiers: Orphanet 805, MedGen C1860707, MONDO:0013199, OMIM 613254.

Submissions (2):

Myriad Genetics, Inc.
Classification: Likely benign for Tuberous sclerosis 2. Last evaluated: 2025-06-02. Review status: criteria provided, single submitter. Criteria: Myriad Autosomal Dominant, Autosomal Recessive and X-Linked Classification Criteria (2023). Collection method: clinical testing. Allele origin: unknown.
Comment: This variant is considered likely benign. This variant is intronic and is not expected to impact mRNA splicing.

Labcorp Genetics (formerly Invitae), Labcorp
Classification: Likely benign for Tuberous sclerosis 2. Last evaluated: 2025-04-17. Review status: criteria provided, single submitter. Criteria: Invitae Variant Classification Sherloc (09022015). Collection method: clinical testing. Allele origin: germline.